The following is an entry in ClinVar:

NM_001277115.2(DNAH11):c.8654A>G (p.Tyr2885Cys)

Gene: DNAH11 (dynein axonemal heavy chain 11; plus strand). Cytogenetic location: 7p15.3.
Variant type: single nucleotide variant.
Coding change: c.8654A>G on transcript NM_001277115.2 (MANE Select); coding-DNA position 8654, A replaced by G.
Protein change: p.Tyr2885Cys; replaces tyrosine 2885 with cysteine.
Molecular consequence: missense variant.
Genome position (GRCh38, 1-based): chr7:21,748,723, A>G. VCF-style: chr7-21748723-A-G. GRCh37 (hg19) VCF-style: chr7-21788341-A-G.
Other names: short protein forms Y2885C.
Identifiers: ClinVar variation 1437927 (VCV001437927.14), dbSNP rs758234780, ClinGen allele CA4181665.

ClinVar aggregate classification (germline): Uncertain significance. Review status: criteria provided, multiple submitters, no conflicts (2 of 4 stars). 2 submissions from 2 submitters: Uncertain significance (2). Last evaluated 2023-06-22.

Conditions:
Primary ciliary dyskinesia. Also called: Ciliary dyskinesia. Identifiers: Orphanet 244, MedGen C0008780, MONDO:0016575, HP:0012265.
Primary ciliary dyskinesia 7. Also called: CILIARY DYSKINESIA, PRIMARY, 7, WITH OR WITHOUT SITUS INVERSUS. Identifiers: Orphanet 244, MedGen C2678473, MONDO:0012748, OMIM 611884.

Allele frequency attached by ClinVar (database versions not stated): ExAC 0.00001.
gnomAD v4.1: 6 of 1,613,260 alleles (0.00037%); highest among the groups gnomAD compares: South Asian, 0.0033%; no homozygotes.

Submissions (2):

Neuberg Centre For Genomic Medicine, NCGM
Classification: Uncertain significance for Primary ciliary dyskinesia 7. Last evaluated: 2023-06-22. Review status: criteria provided, single submitter. Criteria: ACMG Guidelines, 2015. Collection method: clinical testing. Allele origin: germline. Inheritance: Autosomal recessive inheritance. Affected: yes.
Comment: The missense c.8654A>G(p.Tyr2885Cys) variant in DNAH11 gene has not been reported previously as a pathogenic variant nor as a benign variant, to our knowledge. This variant is present with an allele frequency of 0.0004% in gnomAD Exomes. This variant has been submitted to the ClinVar database as Uncertain significance. Multiple lines of computational evidence (SIFT - Damaging and MutationTaster - Disease causing) predict damaging effect on protein structure and function for this variant. The reference amino acid at this position in DNAH11 is predicted as conserved by GERP++ and PhyloP across 100 vertebrates. The amino acid Tyr at position 2885 is changed to a Cys changing protein sequence and it might alter its composition and physico-chemical properties. For these reasons, this variant has been classified as Variant of Uncertain Significance (VUS).

Labcorp Genetics (formerly Invitae), Labcorp
Classification: Uncertain significance for Primary ciliary dyskinesia. Last evaluated: 2021-09-17. Review status: criteria provided, single submitter. Criteria: Invitae Variant Classification Sherloc (09022015). Collection method: clinical testing. Allele origin: germline.
Comment: This sequence change replaces tyrosine with cysteine at codon 2885 of the DNAH11 protein (p.Tyr2885Cys). The tyrosine residue is moderately conserved and there is a large physicochemical difference between tyrosine and cysteine. This variant is present in population databases (rs758234780, ExAC 0.002%). This variant has not been reported in the literature in individuals affected with DNAH11-related conditions. Advanced modeling of protein sequence and biophysical properties (such as structural, functional, and spatial information, amino acid conservation, physicochemical variation, residue mobility, and thermodynamic stability) performed at Invitae indicates that this missense variant is not expected to disrupt DNAH11 protein function. In summary, the available evidence is currently insufficient to determine the role of this variant in disease. Therefore, it has been classified as a Variant of Uncertain Significance.